The following is an entry in ClinVar:

ClinVar aggregate classification (germline): Uncertain significance. Review status: criteria provided, multiple submitters, no conflicts (2 of 4 stars). 2 submissions from 2 submitters: Uncertain significance (2). Last evaluated 2024-09-27.

Conditions:
RASopathy. Also called: rasopathies; Noonan spectrum disorder. Identifiers: Orphanet 536391, MedGen C5555857, MONDO:0021060.

Submissions (2):

Labcorp Genetics (formerly Invitae), Labcorp
Classification: Uncertain significance for RASopathy. Last evaluated: 2024-09-27. Review status: criteria provided, single submitter. Criteria: Invitae Variant Classification Sherloc (09022015). Collection method: clinical testing. Allele origin: germline.
Comment: This sequence change replaces arginine, which is basic and polar, with glutamine, which is neutral and polar, at codon 362 of the BRAF protein (p.Arg362Gln). This variant is not present in population databases (gnomAD no frequency). This missense change has been observed in individual(s) with Noonan syndrome (PMID: 30525188). ClinVar contains an entry for this variant (Variation ID: 2573928). Invitae Evidence Modeling of protein sequence and biophysical properties (such as structural, functional, and spatial information, amino acid conservation, physicochemical variation, residue mobility, and thermodynamic stability) indicates that this missense variant is not expected to disrupt BRAF protein function with a negative predictive value of 80%. In summary, the available evidence is currently insufficient to determine the role of this variant in disease. Therefore, it has been classified as a Variant of Uncertain Significance.

GeneDx
Classification: Uncertain significance. Last evaluated: 2023-01-19. Review status: criteria provided, single submitter. Criteria: GeneDx Variant Classification Process June 2021. Collection method: clinical testing. Allele origin: germline. Affected: yes.
Comment: Not observed at significant frequency in large population cohorts (gnomAD); In silico analysis supports that this missense variant has a deleterious effect on protein structure/function; Missense variants in this gene are often considered pathogenic (HGMD); This variant is associated with the following publications: (PMID: 30525188, 24077912)

Literature cited by the submitters: PubMed 30525188 (cited by Labcorp Genetics (formerly Invitae), Labcorp).

NM_004333.6(BRAF):c.1085G>A (p.Arg362Gln)

Genes: BRAF (B-Raf proto-oncogene, serine/threonine kinase; minus strand), LOC126860202 (BRD4-independent group 4 enhancer GRCh37_chr7:140493623-140494822; plus strand). Cytogenetic location: 7q34.
Variant type: single nucleotide variant.
Coding change: c.1085G>A on transcript NM_004333.6 (MANE Select); coding-DNA position 1085, G replaced by A.
Protein change: p.Arg362Gln; replaces arginine 362 with glutamine.
Molecular consequence: missense variant.
Genome position (GRCh38, 1-based): chr7:140,794,363, C>T on the plus strand (G>A on the coding strand, the complement: BRAF is on the minus strand). VCF-style: chr7-140794363-C-T. GRCh37 (hg19) VCF-style: chr7-140494163-C-T.
Other names: c.1085G>A, p.Arg362Gln (NM_001354609.2, NM_001374244.1, NM_001374258.1 and 4 more transcripts); c.1094G>A, p.Arg365Gln (NM_001378467.1); c.983G>A, p.Arg328Gln (NM_001378470.1); c.929G>A, p.Arg310Gln (NM_001378472.1, NM_001378473.1); c.821G>A, p.Arg274Gln (NM_001378475.1); short protein forms R274Q, R310Q, R328Q, R362Q, R365Q.
Identifiers: ClinVar variation 2573928 (VCV002573928.3), dbSNP rs1469574556, ClinGen allele CA369589795.
Genomic context (GRCh38, chr7:140,794,363, plus strand): 5'-CTTACATCAATATTGACAGGTTCTATTGTGTTTATATGCACATTGGGAGCTGATGAGGAT[C>T]GGTCTCGTTGCCCAAATTGATTTCGATGATCTTCATCTGCTGGTCGGAAGGGCTGTGGAA-3'
Protein context (NP_004324.2, residues 352-372): DHRNQFGQRD[Arg362Gln]SSSAPNVHIN